The following is an entry in ClinVar:

NM_000428.3(LTBP2):c.3665G>T (p.Cys1222Phe)

Gene: LTBP2 (latent transforming growth factor beta binding protein 2; minus strand). Cytogenetic location: 14q24.3.
Variant type: single nucleotide variant.
Coding change: c.3665G>T on transcript NM_000428.3 (MANE Select); coding-DNA position 3665, G replaced by T.
Protein change: p.Cys1222Phe; replaces cysteine 1222 with phenylalanine.
Molecular consequence: missense variant.
Genome position (GRCh38, 1-based): chr14:74,508,083, C>A on the plus strand (G>T on the coding strand, the complement: LTBP2 is on the minus strand). VCF-style: chr14-74508083-C-A. GRCh37 (hg19) VCF-style: chr14-74974786-C-A.
Other names: short protein forms C1222F.
Identifiers: ClinVar variation 796667 (VCV000796667.10), dbSNP rs549001156, ClinGen allele CA7269069.
Genomic context (GRCh38, chr14:74,508,083, plus strand): 5'-CAGTTGAAGGAGCCCTCGGTGTTGACACAGTGCCCTCCCACACACGGGTCTGTGGTGGCA[C>A]ACTCGTCCACATCTAGAGTAGAGATGGCTGTCAGCAGACCCAGCCACGGGTCCCTTCCCT-3'
Protein context (NP_000419.1, residues 1212-1232): GGTSCQDVDE[Cys1222Phe]ATTDPCVGGH

ClinVar aggregate classification (germline): Conflicting classifications of pathogenicity. Review status: criteria provided, conflicting classifications (1 of 4 stars). 3 submissions from 3 submitters: Uncertain significance (1); Benign (1). 1 of the submissions does not count toward it. Last evaluated 2025-09-02.

Conditions:
LTBP2-related disorder. Also called: LTBP2-related condition; LTBP2-related disorders.

Allele frequency attached by ClinVar (database versions not stated): gnomAD 0.00001 and 0.00005; TOPMed 0.00003; gnomAD exomes 0.00023 and 0.00046; 1000 Genomes Project 30x 0.00047; ExAC 0.00052; 1000 Genomes Project 0.00060.
gnomAD v4.1: 333 of 1,613,846 alleles (0.021%); highest among the groups gnomAD compares: South Asian, 0.36%; 4 homozygotes.

Submissions (3):

Labcorp Genetics (formerly Invitae), Labcorp
Classification: Benign. Last evaluated: 2025-09-02. Review status: criteria provided, single submitter. Criteria: Invitae Variant Classification Sherloc (09022015). Collection method: clinical testing. Allele origin: germline.

Blueprint Genetics
Classification: Uncertain significance. Last evaluated: 2024-05-08. Review status: criteria provided, single submitter. Criteria: ACMG Guidelines, 2015. Collection method: clinical testing. Allele origin: germline.

PreventionGenetics, part of Exact Sciences
Classification: Likely benign for LTBP2-related condition. Last evaluated: 2024-08-30. Review status: no assertion criteria provided. Collection method: clinical testing. Allele origin: germline. Not counted in ClinVar's aggregate classification.
Comment: This variant is classified as likely benign based on ACMG/AMP sequence variant interpretation guidelines (Richards et al. 2015 PMID: 25741868, with internal and published modifications).